The following is an entry in ClinVar:

ClinVar aggregate classification (germline): Benign (1 of 4 stars; one submission).

Allele frequency attached by ClinVar (database versions not stated): gnomAD 0.43601; TOPMed 0.42685; 1000 Genomes Project 0.43990; 1000 Genomes Project 30x 0.43332; gnomAD exomes 0.48948.
gnomAD v4.1: 200,746 of 426,818 alleles (47%); highest among the groups gnomAD compares: East Asian, 52%; 48,533 homozygotes.

Submission:

Unidad de Genómica Garrahan, Hospital de Pediatría Garrahan
Classification: Benign. Last evaluated: 2024-07-15. Review status: criteria provided, single submitter. Criteria: ACMG Guidelines, 2015. Collection method: clinical testing. Allele origin: germline. Affected: no. Observed: 58 variant alleles.
Comment: This variant is classified as Benign based on local population frequency. This variant was detected in 62% of patients studied in a panel designed for Epileptic and Developmental Encephalopathy and Progressive Myoclonus Epilepsy. Number of patients: 58. Only high quality variants are reported.

NM_001321133.2(GOSR2):c.*57C>A

Genes: LRRC37A2 (leucine rich repeat containing 37 member A2), GOSR2 (golgi SNAP receptor complex member 2; plus strand). Cytogenetic location: 17q21.32.
Variant type: single nucleotide variant.
Coding change: c.*57C>A on transcript NM_001321133.2; 57 bases downstream of the stop codon, C replaced by A.
Molecular consequence: 3 prime UTR variant. On other transcripts: non-coding transcript variant (3).
Genome position (GRCh38, 1-based): chr17:46,966,781, C>A. VCF-style: chr17-46966781-C-A. GRCh37 (hg19) VCF-style: chr17-45044147-C-A.
Identifiers: ClinVar variation 3255257 (VCV003255257.2), dbSNP rs11079745.